The following is an entry in ClinVar:

ClinVar aggregate classification (germline): Uncertain significance. Review status: criteria provided, multiple submitters, no conflicts (2 of 4 stars). 2 submissions from 2 submitters: Uncertain significance (2). Last evaluated 2025-06-06.

Conditions:
Nephronophthisis 16 (NPHP16). Identifiers: Orphanet 655, MedGen C3809320, MONDO:0014158, OMIM 615382.

Submissions (2):

GeneDx
Classification: Uncertain significance. Last evaluated: 2025-06-06. Review status: criteria provided, single submitter. Criteria: GeneDx Variant Classification Process June 2021. Collection method: clinical testing. Allele origin: germline. Affected: yes.
Comment: Not observed at significant frequency in large population cohorts (gnomAD); In silico analysis supports that this missense variant has a deleterious effect on protein structure/function; Has not been previously published as pathogenic or benign to our knowledge

Fulgent Genetics
Classification: Uncertain significance for Nephronophthisis 16. Last evaluated: 2024-04-20. Review status: criteria provided, single submitter. Criteria: ACMG Guidelines, 2015. Collection method: clinical testing. Allele origin: germline.

NM_173551.5(ANKS6):c.322A>G (p.Asn108Asp)

Gene: ANKS6 (ankyrin repeat and sterile alpha motif domain containing 6; minus strand). Cytogenetic location: 9q22.33.
Variant type: single nucleotide variant.
Coding change: c.322A>G on transcript NM_173551.5 (MANE Select); coding-DNA position 322, A replaced by G.
Protein change: p.Asn108Asp; replaces asparagine 108 with aspartic acid.
Molecular consequence: missense variant.
Genome position (GRCh38, 1-based): chr9:98,796,170, T>C on the plus strand (A>G on the coding strand, the complement: ANKS6 is on the minus strand). VCF-style: chr9-98796170-T-C. GRCh37 (hg19) VCF-style: chr9-101558452-T-C.
Other names: c.322A>G (NM_173551.3); short protein forms N108D.
Identifiers: ClinVar variation 3596117 (VCV003596117.2).